The following is an entry in ClinVar:

ClinVar aggregate classification (germline): Uncertain significance (1 of 4 stars; one submission).

Submission:

Labcorp Genetics (formerly Invitae), Labcorp
Classification: Uncertain significance. Last evaluated: 2024-05-03. Review status: criteria provided, single submitter. Criteria: Invitae Variant Classification Sherloc (09022015). Collection method: clinical testing. Allele origin: germline.
Comment: This sequence change replaces serine, which is neutral and polar, with glycine, which is neutral and non-polar, at codon 310 of the TCIRG1 protein (p.Ser310Gly). This variant is not present in population databases (gnomAD no frequency). This variant has not been reported in the literature in individuals affected with TCIRG1-related conditions. Advanced modeling of protein sequence and biophysical properties (such as structural, functional, and spatial information, amino acid conservation, physicochemical variation, residue mobility, and thermodynamic stability) performed at Invitae indicates that this missense variant is expected to disrupt TCIRG1 protein function with a positive predictive value of 80%. In summary, the available evidence is currently insufficient to determine the role of this variant in disease. Therefore, it has been classified as a Variant of Uncertain Significance.

NM_006019.4(TCIRG1):c.928A>G (p.Ser310Gly)

Gene: TCIRG1 (T cell immune regulator 1, ATPase H+ transporting V0 subunit a3; plus strand). Cytogenetic location: 11q13.2.
Variant type: single nucleotide variant.
Coding change: c.928A>G on transcript NM_006019.4 (MANE Select); coding-DNA position 928, A replaced by G.
Protein change: p.Ser310Gly; replaces serine 310 with glycine.
Molecular consequence: missense variant.
Genome position (GRCh38, 1-based): chr11:68,044,252, A>G. VCF-style: chr11-68044252-A-G. GRCh37 (hg19) VCF-style: chr11-67811719-A-G.
Other names: c.34A>G, p.Ser12Gly (NM_001351059.2); c.280A>G, p.Ser94Gly (NM_006053.4); short protein forms S94G, S12G, S310G.
Identifiers: ClinVar variation 3719918 (VCV003719918.2).